The following is an entry in ClinVar:

ClinVar aggregate classification (germline): Conflicting classifications of pathogenicity. Review status: criteria provided, conflicting classifications (1 of 4 stars). 2 submissions from 2 submitters: Likely pathogenic (1); Uncertain significance (1). Last evaluated 2025-05-27.

Conditions:
Hereditary cancer-predisposing syndrome. Also called: Neoplastic Syndromes, Hereditary; Tumor predisposition; Hereditary Cancer Syndrome; Hereditary neoplastic syndrome. Identifiers: Orphanet 140162, MedGen C0027672, MeSH D009386, MONDO:0015356.
Familial melanoma. Also called: Hereditary melanoma; Hereditary cutaneous melanoma. Identifiers: Orphanet 618, MedGen C1512419, MONDO:0018961.

gnomAD v4.1: 1 of 1,608,932 alleles (0.000062%); highest among the groups gnomAD compares: Non-Finnish European, 0.000085%; no homozygotes.

Submissions (2):

Ambry Genetics
Classification: Likely pathogenic for Hereditary cancer-predisposing syndrome. Last evaluated: 2025-05-27. Review status: criteria provided, single submitter. Criteria: Ambry Variant Classification Scheme 2023. Collection method: clinical testing. Allele origin: germline.
Comment: The p.A118V variant (also known as c.353C>T), located in coding exon 2 of the CDKN2A gene, results from a C to T substitution at nucleotide position 353. The alanine at codon 118 is replaced by valine, an amino acid with similar properties. This alteration has been identified in several individuals and families with multiple primary melanomas (Helsing P et al. Genes Chromosomes Cancer, 2008 Feb;47:175-84; Helgadottir H et al. J Am Acad Dermatol, 2017 Nov;77:893-901; Cakir A et al. Dermatol Pract Concept. 2023 Jul;13(3)). Based on internal structural analysis, this variant is anticipated to result in a significant decrease in structural stability (Hewitt C et al. Hum Mol Genet, 2002 May;11:1273-9; Ambry internal data). This variant is considered to be rare based on population cohorts in the Genome Aggregation Database (gnomAD). This amino acid position is highly conserved in available vertebrate species. In addition, this alteration is predicted to be deleterious by in silico analysis. Based on the majority of available evidence to date, this variant is likely to be pathogenic.

Labcorp Genetics (formerly Invitae), Labcorp
Classification: Uncertain significance for Familial melanoma. Last evaluated: 2023-11-02. Review status: criteria provided, single submitter. Criteria: Invitae Variant Classification Sherloc (09022015). Collection method: clinical testing. Allele origin: germline.
Comment: This sequence change replaces alanine, which is neutral and non-polar, with valine, which is neutral and non-polar, at codon 118 of the CDKN2A (p16INK4a) protein (p.Ala118Val). This variant is not present in population databases (gnomAD no frequency). This missense change has been observed in individual(s) with melanoma (PMID: 18023021, 21462282, 27804060, 29661971). ClinVar contains an entry for this variant (Variation ID: 406719). An algorithm developed to predict the effect of missense changes on protein structure and function (PolyPhen-2) suggests that this variant is likely to be disruptive. In summary, the available evidence is currently insufficient to determine the role of this variant in disease. Therefore, it has been classified as a Variant of Uncertain Significance.

Literature cited by the submitters: PubMed 12019208 (cited by Ambry Genetics); PubMed 18023021 (cited by Ambry Genetics and Labcorp Genetics (formerly Invitae), Labcorp); PubMed 28818438 (cited by Ambry Genetics); PubMed 37557112 (cited by Ambry Genetics); PubMed 21462282 (cited by Labcorp Genetics (formerly Invitae), Labcorp); PubMed 27804060 (cited by Labcorp Genetics (formerly Invitae), Labcorp); PubMed 29661971 (cited by Labcorp Genetics (formerly Invitae), Labcorp).

NM_000077.5(CDKN2A):c.353C>T (p.Ala118Val)

Gene: CDKN2A (cyclin dependent kinase inhibitor 2A; minus strand). Cytogenetic location: 9p21.3.
Variant type: single nucleotide variant.
Coding change: c.353C>T on transcript NM_000077.5; coding-DNA position 353, C replaced by T.
Protein change: p.Ala118Val; replaces alanine 118 with valine.
Molecular consequence: missense variant (on NM_000077.6). On other transcripts: synonymous variant (1), 3 prime UTR variant (1).
Genome position (GRCh38, 1-based): chr9:21,971,006, G>A on the plus strand (C>T on the coding strand, the complement: CDKN2A is on the minus strand). VCF-style: chr9-21971006-G-A. GRCh37 (hg19) VCF-style: chr9-21971005-G-A.
Other names: c.353C>T, p.Ala118Val (NM_000077.6, NM_001195132.2); c.200C>T, p.Ala67Val (NM_001363763.2); c.396C>T, p.Gly132= (NM_058195.4); c.*276C>T (NM_058197.5); short protein forms A118V, A67V.
Identifiers: ClinVar variation 406719 (VCV000406719.8), dbSNP rs1060501270, ClinGen allele CA16612787.
Genomic context (GRCh38, chr9:21,971,006, plus strand): 5'-CTGGTGCCCCCCGCAGCCGCGCGCAGGTACCGTGCGACATCGCGATGGCCCAGCTCCTCA[G>A]CCAGGTCCACGGGCAGACGGCCCCAGGCATCGCGCACGTCCAGCCGCGCCCCGGCCCGGT-3'
Protein context (NP_000068.1, residues 108-128): DAWGRLPVDL[Ala118Val]EELGHRDVAR